The following is an entry in ClinVar:

NM_182915.3(STEAP3):c.677C>T (p.Thr226Ile)

Genes: STEAP3 (STEAP3 metalloreductase; plus strand), STEAP3-AS1 (STEAP3 antisense RNA 1; minus strand). Cytogenetic location: 2q14.2.
Variant type: single nucleotide variant.
Coding change: c.677C>T on transcript NM_182915.3 (MANE Select); coding-DNA position 677, C replaced by T.
Protein change: p.Thr226Ile; replaces threonine 226 with isoleucine.
Molecular consequence: missense variant.
Genome position (GRCh38, 1-based): chr2:119,247,833, C>T. VCF-style: chr2-119247833-C-T. GRCh37 (hg19) VCF-style: chr2-120005409-C-T.
Other names: c.677C>T (NM_182915.2); c.647C>T, p.Thr216Ile (NM_001008410.2, NM_018234.3, NM_138637.3); short protein forms T226I, T216I.
Identifiers: ClinVar variation 719383 (VCV000719383.12), dbSNP rs142093432, ClinGen allele CA1846677.

ClinVar aggregate classification (germline): Conflicting classifications of pathogenicity. Review status: criteria provided, conflicting classifications (1 of 4 stars). 3 submissions from 3 submitters: Uncertain significance (1); Benign (1); Likely benign (1). Last evaluated 2026-08-01.

Allele frequency attached by ClinVar (database versions not stated): 1000 Genomes Project 0.00040; 1000 Genomes Project 30x 0.00047; TOPMed 0.00137; ExAC 0.00164; gnomAD 0.00183 and 0.00196; ESP Exome Variant Server 0.00192.
gnomAD v4.1: 3,138 of 1,613,284 alleles (0.19%); highest among the groups gnomAD compares: Non-Finnish European, 0.23%; 4 homozygotes.

Submissions (3):

CeGaT Center for Human Genetics Tuebingen
Classification: Benign. Last evaluated: 2026-08-01. Review status: criteria provided, single submitter. Criteria: CeGaT Center For Human Genetics Tuebingen Variant Classification Criteria Version 2. Collection method: clinical testing. Allele origin: germline. Affected: yes. Observed: 1 variant allele.
Comment: STEAP3: BP4, BS1, BS2

Labcorp Genetics (formerly Invitae), Labcorp
Classification: Likely benign. Last evaluated: 2026-01-02. Review status: criteria provided, single submitter. Criteria: Invitae Variant Classification Sherloc (09022015). Collection method: clinical testing. Allele origin: germline.

Ambry Genetics
Classification: Uncertain significance. Last evaluated: 2025-12-08. Review status: criteria provided, single submitter. Criteria: Ambry Variant Classification Scheme 2023. Collection method: clinical testing. Allele origin: germline.